The following is an entry in ClinVar:

NM_015340.4(LARS2):c.879C>T (p.Gly293=)

Gene: LARS2 (leucyl-tRNA synthetase 2, mitochondrial; plus strand). Cytogenetic location: 3p21.31.
Variant type: single nucleotide variant.
Coding change: c.879C>T on transcript NM_015340.4 (MANE Select); coding-DNA position 879, C replaced by T.
Protein change: p.Gly293=; no amino-acid change (glycine 293 retained).
Molecular consequence: synonymous variant.
Genome position (GRCh38, 1-based): chr3:45,476,488, C>T. VCF-style: chr3-45476488-C-T. GRCh37 (hg19) VCF-style: chr3-45517980-C-T.
Other names: c.879C>T, p.Gly293= (NM_001368263.1).
Identifiers: ClinVar variation 929969 (VCV000929969.9), dbSNP rs368510008, ClinGen allele CA2349443.
Genomic context (GRCh38, chr3:45,476,488, plus strand): 5'-AGGACTGAGAAATGACATCACTCTTCTTTCCTATCACCAGGTTCATGGGCAAGCCACGGG[C>T]GAAAAGCTGACTGCCTATACGGCCACCCCTGAAGCCATTTATGGCACCTCCCACGTGGCC-3'
Protein context (NP_056155.1, residues 283-303): FTLKVHGQAT[Gly293=]EKLTAYTATP

ClinVar aggregate classification (germline): Likely benign. Review status: criteria provided, multiple submitters, no conflicts (2 of 4 stars). 3 submissions from 3 submitters: Likely benign (3). Last evaluated 2024-11-26.

Allele frequency attached by ClinVar (database versions not stated): TOPMed 0.00002; 1000 Genomes Project 30x 0.00031; 1000 Genomes Project 0.00040.
gnomAD v4.1: 149 of 1,614,174 alleles (0.0092%); highest among the groups gnomAD compares: South Asian, 0.066%; no homozygotes.

Submissions (4):

Labcorp Genetics (formerly Invitae), Labcorp
Classification: Likely benign. Last evaluated: 2024-11-26. Review status: criteria provided, single submitter. Criteria: Invitae Variant Classification Sherloc (09022015). Collection method: clinical testing. Allele origin: germline.

Blueprint Genetics
Classification: Likely benign. Last evaluated: 2024-07-26. Review status: criteria provided, single submitter. Criteria: ACMG Guidelines, 2015. Collection method: clinical testing. Allele origin: germline.

Laboratory for Molecular Medicine, Mass General Brigham Personalized Medicine
Classification: Likely benign. Last evaluated: 2017-08-23. Review status: criteria provided, single submitter. Criteria: LMM Criteria. Collection method: clinical testing. Allele origin: germline. Observed: 1 variant allele.
Comment: p.Gly293Gly in exon 10 of LARS2: This variant is not expected to have clinical significance because it does not alter an amino acid residue and is not located within the splice consensus sequence. It has been identified in 0.07% (12/16508) of South Asian chromosomes by the Exome Aggregation Consortium (ExAC; dbSNP rs368510008).

Dr. Peter K. Rogan Lab, Western University
No classification provided (evidence only). Condition: Melanoma. Review status: no classification provided. Collection method: in vitro. Allele origin: not applicable. Functional consequence: retained intron. Not counted in ClinVar's aggregate classification.